The following is an entry in ClinVar:

NM_003470.3(USP7):c.80-6190G>T

Gene: USP7 (ubiquitin specific peptidase 7; minus strand). Cytogenetic location: 16p13.2.
Variant type: single nucleotide variant.
Coding change: c.80-6190G>T on transcript NM_003470.3 (MANE Select); 6190 bases into the intron before coding-DNA position 80, G replaced by T.
Molecular consequence: intron variant. On other transcripts: synonymous variant (1), 5 prime UTR variant (1).
Genome position (GRCh38, 1-based): chr16:8,936,587, C>A on the plus strand (G>T on the coding strand, the complement: USP7 is on the minus strand). VCF-style: chr16-8936587-C-A. GRCh37 (hg19) VCF-style: chr16-9030444-C-A.
Other names: c.27G>T, p.Leu9= (NM_001286457.2); c.-398G>T (NM_001286458.2); c.-95-6190G>T (NM_001321858.2).
Identifiers: ClinVar variation 2646191 (VCV002646191.25), dbSNP rs1382390, ClinGen allele CA7895868.

ClinVar aggregate classification (germline): Likely benign. Review status: criteria provided, multiple submitters, no conflicts (2 of 4 stars). 2 submissions from 2 submitters: Likely benign (2). Last evaluated 2025-02-01.

Allele frequency attached by ClinVar (database versions not stated): 1000 Genomes Project 30x 0.00203; 1000 Genomes Project 0.00220.
gnomAD v4.1: 318 of 1,545,498 alleles (0.021%); highest among the groups gnomAD compares: East Asian, 0.57%; 4 homozygotes.

Submissions (2):

CeGaT Center for Human Genetics Tuebingen
Classification: Likely benign. Last evaluated: 2025-02-01. Review status: criteria provided, single submitter. Criteria: CeGaT Center For Human Genetics Tuebingen Variant Classification Criteria Version 2. Collection method: clinical testing. Allele origin: germline. Affected: yes. Observed: 2 variant alleles.
Comment: USP7: BP4, BP7, BS1

Blueprint Genetics
Classification: Likely benign. Last evaluated: 2024-06-14. Review status: criteria provided, single submitter. Criteria: ACMG Guidelines, 2015. Collection method: clinical testing. Allele origin: germline.